The following is an entry in ClinVar:

NM_174936.4(PCSK9):c.1180+1G>T

Gene: PCSK9 (proprotein convertase subtilisin/kexin type 9; plus strand). Cytogenetic location: 1p32.3.
Variant type: single nucleotide variant.
Coding change: c.1180+1G>T on transcript NM_174936.4 (MANE Select); the canonical splice donor site of the intron after coding-DNA position 1180, G replaced by T.
Molecular consequence: splice donor variant.
Genome position (GRCh38, 1-based): chr1:55,057,515, G>T. VCF-style: chr1-55057515-G-T. GRCh37 (hg19) VCF-style: chr1-55523188-G-T.
Other names: c.805+1G>T (NM_001407246.1); c.1303+1G>T (NM_001407240.1); c.1183+1G>T (NM_001407242.1); c.1180+1G>T (NM_001407241.1, NM_001407244.1, NM_001407247.1); c.1123+1G>T (NM_001407243.1); c.988+1G>T (NM_001407245.1).
Identifiers: ClinVar variation 3070611 (VCV003070611.1), dbSNP rs1237783130, ClinGen allele CA340476982.

ClinVar aggregate classification (germline): Uncertain significance (1 of 4 stars; one submission).

Conditions:
Hypercholesterolemia, autosomal dominant, 3 (FHCL3). Also called: Familial Hypercholesterolemia, Autosomal Dominant, 3; PCSK9-Related Familial Hypercholesterolemia, Autosomal Dominant; Familial hypercholesterolemia 3. Identifiers: MedGen C1863551, MONDO:0011369, OMIM 603776.

gnomAD v4.1: 1 of 1,609,366 alleles (0.000062%); highest among the groups gnomAD compares: Admixed American, 0.0017%; no homozygotes.

Submission:

All of Us Research Program, National Institutes of Health
Classification: Uncertain significance for Hypercholesterolemia, autosomal dominant, 3. Last evaluated: 2023-04-27. Review status: criteria provided, single submitter. Criteria: ACMG Guidelines, 2015. Collection method: clinical testing. Allele origin: germline. Inheritance: Autosomal dominant inheritance. Observed: 1 variant allele, 1 heterozygote.
Comment: This study involves interpretation of variants in research participants for the purpose of population health screening. Participant phenotype was not available at the time of variant classification. Additional details can be found in publication PMID: 35346344, PMCID: PMC8962531